The following is an entry in ClinVar:

ClinVar aggregate classification (germline): Uncertain significance (1 of 4 stars; one submission).

Allele frequency attached by ClinVar (database versions not stated): gnomAD exomes below 0.00001 and 0.00001; ExAC 0.00001.
gnomAD v4.1: 5 of 1,608,568 alleles (0.00031%); highest among the groups gnomAD compares: East Asian, 0.0067%; no homozygotes.

Submission:

Labcorp Genetics (formerly Invitae), Labcorp
Classification: Uncertain significance. Last evaluated: 2020-11-04. Review status: criteria provided, single submitter. Criteria: Invitae Variant Classification Sherloc (09022015). Collection method: clinical testing. Allele origin: germline.
Comment: This variant is present in population databases (rs765299352, ExAC 0.02%). In summary, the available evidence is currently insufficient to determine the role of this variant in disease. Therefore, it has been classified as a Variant of Uncertain Significance. Algorithms developed to predict the effect of missense changes on protein structure and function (SIFT, PolyPhen-2, Align-GVGD) all suggest that this variant is likely to be tolerated, but these predictions have not been confirmed by published functional studies and their clinical significance is uncertain. This variant has not been reported in the literature in individuals with CISD2-related conditions. This sequence change replaces alanine with valine at codon 31 of the CISD2 protein (p.Ala31Val). The alanine residue is weakly conserved and there is a small physicochemical difference between alanine and valine.

NM_001008388.5(CISD2):c.92C>T (p.Ala31Val)

Genes: CISD2 (CDGSH iron sulfur domain 2; plus strand), LOC129992892 (ATAC-STARR-seq lymphoblastoid silent region 15603; plus strand). Cytogenetic location: 4q24.
Variant type: single nucleotide variant.
Coding change: c.92C>T on transcript NM_001008388.5 (MANE Select); coding-DNA position 92, C replaced by T.
Protein change: p.Ala31Val; replaces alanine 31 with valine.
Molecular consequence: missense variant.
Genome position (GRCh38, 1-based): chr4:102,869,176, C>T. VCF-style: chr4-102869176-C-T. GRCh37 (hg19) VCF-style: chr4-103790333-C-T.
Other names: short protein forms A31V.
Identifiers: ClinVar variation 1476052 (VCV001476052.8), dbSNP rs765299352, ClinGen allele CA3027648.
Genomic context (GRCh38, chr4:102,869,176, plus strand): 5'-AGGTGCAGCTCCCTGCATATCTGAAGCGGCTCCCAGTCCCTGAAAGCATTACCGGGTTCG[C>T]TAGGCTCACAGGTAATCCTCCCCCATCAGCCAGTCCCCATCCTTGCACGTTCGCCAAGCG-3'
Protein context (NP_001008389.1, residues 21-41): LPVPESITGF[Ala31Val]RLTVSEWLRL